The following is an entry in ClinVar:

NM_000834.5(GRIN2B):c.1238A>G (p.Glu413Gly)

Gene: GRIN2B (glutamate ionotropic receptor NMDA type subunit 2B; minus strand). Cytogenetic location: 12p13.1.
Variant type: single nucleotide variant.
Coding change: c.1238A>G on transcript NM_000834.5 (MANE Select); coding-DNA position 1238, A replaced by G.
Protein change: p.Glu413Gly; replaces glutamic acid 413 with glycine.
Molecular consequence: missense variant.
Genome position (GRCh38, 1-based): chr12:13,616,545, T>C on the plus strand (A>G on the coding strand, the complement: GRIN2B is on the minus strand). VCF-style: chr12-13616545-T-C. GRCh37 (hg19) VCF-style: chr12-13769479-T-C.
Other names: short protein forms E413G.
Identifiers: ClinVar variation 143189 (VCV000143189.3), dbSNP rs527236034, ClinGen allele CA170088.

ClinVar aggregate classification (germline): Pathogenic. Review status: criteria provided, single submitter (1 of 4 stars). 2 submissions from 2 submitters: Pathogenic (1). 1 of the submissions does not count toward it. Last evaluated 2017-04-04.

Conditions:
Intellectual developmental disorder, autosomal dominant 6, with or without seizures. Also called: Intellectual disability, autosomal dominant 6; GRIN2B-related developmental delay, intellectual disability and autism spectrum disorder. Identifiers: Orphanet 589547, MedGen C3151411, MONDO:0013509, OMIM 613970.

Submissions (2):

Institute of Human Genetics, University of Leipzig Medical Center
Classification: Pathogenic for Intellectual developmental disorder, autosomal dominant 6, with or without seizures. Last evaluated: 2017-04-04. Review status: criteria provided, single submitter. Criteria: ACMG Guidelines, 2015. Collection method: clinical testing. Allele origin: de novo. Affected: yes.
Comment: This variant was identified as de novo (maternity and paternity confirmed).

Undiagnosed Diseases Program Translational Research Laboratory, National Institutes of Health
Classification: Pathogenic for Mental retardation, autosomal dominant 6. Review status: no assertion criteria provided. Collection method: not provided. Allele origin: de novo. Not counted in ClinVar's aggregate classification.
ClinVar note: Converted during submission from pathogenic to Pathogenic.

Literature cited by the submitters: PubMed 28377535 (cited by Institute of Human Genetics, University of Leipzig Medical Center).